The following is an entry in ClinVar:

ClinVar aggregate classification (germline): Likely benign. Review status: criteria provided, multiple submitters, no conflicts (2 of 4 stars). 9 submissions from 9 submitters: Likely benign (7). 2 of the submissions do not count toward it. Last evaluated 2026-01-27.

Conditions:
Cobalamin C disease. Also called: Cobalamin-C methylmalonic acidemia and homocystinuria; Methylmalonic acidemia and homocystinuria cblC type; Methylmalonic aciduria and homocystinuria, Vitamin B12-responsive; Vitamin B12 metabolic defect with combined deficiency of methylmalonyl-CoA mutase and homocysteine:methyltetrahydrofolate methyltransferase; methylmalonic aciduria and homocystinuria type cblC; Methylmalonic aciduria with homocystinuria cblC type. Identifiers: Orphanet 26, Orphanet 79282, MedGen C1848561, MONDO:0010184, OMIM 277400.
MMACHC-related disorder. Also called: MMACHC-related condition.
Disorders of Intracellular Cobalamin Metabolism. Identifiers: MedGen CN043592.

Allele frequency attached by ClinVar (database versions not stated): ESP Exome Variant Server 0.00217; 1000 Genomes Project 30x 0.00219; 1000 Genomes Project 0.00240; TOPMed 0.00266.

Submissions (12):

Labcorp Genetics (formerly Invitae), Labcorp
Classification: Likely benign for Cobalamin C disease. Last evaluated: 2026-01-27. Review status: criteria provided, single submitter. Criteria: Invitae Variant Classification Sherloc (09022015). Collection method: clinical testing. Allele origin: germline.

Blueprint Genetics
Classification: Likely benign. Last evaluated: 2024-08-28. Review status: criteria provided, single submitter. Criteria: ACMG Guidelines, 2015. Collection method: clinical testing. Allele origin: germline.

Women's Health and Genetics/Laboratory Corporation of America, LabCorp
Classification: Likely benign. Last evaluated: 2024-01-18. Review status: criteria provided, single submitter. Criteria: LabCorp Variant Classification Summary - May 2015. Collection method: clinical testing. Allele origin: germline.
Comment: Variant summary: MMACHC c.433A>T (p.Ile145Leu) results in a conservative amino acid change in the encoded protein sequence. Three of five in-silico tools predict a benign effect of the variant on protein function. The variant allele was found at a frequency of 0.00054 in 248518 control chromosomes, predominantly at a frequency of 0.0084 within the African or African-American subpopulation in the gnomAD database. The observed variant frequency within African or African-American control individuals in the gnomAD database is approximately 2.66 fold of the estimated maximal expected allele frequency for a pathogenic variant in MMACHC causing Methylmalonic Acidemia With Homocystinuria phenotype (0.0032), strongly suggesting that the variant is a benign polymorphism found primarily in populations of African or African-American origin. To our knowledge, no occurrence of c.433A>T in individuals affected with Methylmalonic Acidemia With Homocystinuria and no experimental evidence demonstrating its impact on protein function have been reported. ClinVar contains an entry for this variant (Variation ID: 297486). Based on the evidence outlined above, the variant was classified as likely benign.

Mayo Clinic Laboratories, Mayo Clinic
Classification: Likely benign. Last evaluated: 2023-11-15. Review status: criteria provided, single submitter. Criteria: ACMG Guidelines, 2015. Collection method: clinical testing. Allele origin: germline. Observed: 11 variant alleles.
Comment: BS1, BP1

Genome-Nilou Lab
Classification: Likely benign for Cobalamin C disease. Last evaluated: 2023-04-11. Review status: criteria provided, single submitter. Criteria: ACMG Guidelines, 2015. Collection method: clinical testing. Allele origin: germline. Affected: no.

GeneDx
Classification: Likely benign. Last evaluated: 2020-06-05. Review status: criteria provided, single submitter. Criteria: GeneDx Variant Classification Process June 2021. Collection method: clinical testing. Allele origin: germline. Affected: yes.

Illumina Laboratory Services, Illumina
Classification: Likely benign for Disorders of Intracellular Cobalamin Metabolism. Last evaluated: 2018-01-13. Review status: criteria provided, single submitter. Criteria: ICSL Variant Classification Criteria 13 December 2019. Collection method: clinical testing. Allele origin: germline.
Comment: This variant was observed in the ICSL laboratory as part of a predisposition screen in an ostensibly healthy population. It had not been previously curated by ICSL or reported in the Human Gene Mutation Database (HGMD: prior to June 1st, 2018), and was therefore a candidate for classification through an automated scoring system. Utilizing variant allele frequency, disease prevalence and penetrance estimates, and inheritance mode, an automated score was calculated to assess if this variant is too frequent to cause the disease. Based on the score and internal cut-off values, a variant classified as likely benign is not then subjected to further curation. The score for this variant resulted in a classification of likely benign for this disease.

PreventionGenetics, part of Exact Sciences
Classification: Likely benign for MMACHC-related condition. Last evaluated: 2022-05-23. Review status: no assertion criteria provided. Collection method: clinical testing. Allele origin: germline. Not counted in ClinVar's aggregate classification.
Comment: This variant is classified as likely benign based on ACMG/AMP sequence variant interpretation guidelines (Richards et al. 2015 PMID: 25741868, with internal and published modifications).

Natera, Inc.
Classification: Likely benign for Methylmalonic aciduria with homocystinuria cblC type. Last evaluated: 2020-04-30. Review status: no assertion criteria provided. Collection method: clinical testing. Allele origin: germline. Not counted in ClinVar's aggregate classification.

Dr. Peter K. Rogan Lab, Western University
No classification provided (evidence only). Condition: Uterine corpus endometrial carcinoma. Review status: no classification provided. Collection method: in vitro. Allele origin: not applicable. Functional consequence: retained intron. Not counted in ClinVar's aggregate classification.

Dr. Peter K. Rogan Lab, Western University
No classification provided (evidence only). Condition: Cervical cancer. Review status: no classification provided. Collection method: in vitro. Allele origin: not applicable. Functional consequence: retained intron. Not counted in ClinVar's aggregate classification.

Dr. Peter K. Rogan Lab, Western University
No classification provided (evidence only). Condition: Gastric cancer. Review status: no classification provided. Collection method: in vitro. Allele origin: not applicable. Functional consequence: retained intron. Not counted in ClinVar's aggregate classification.

NM_015506.3(MMACHC):c.433A>T (p.Ile145Leu)

Gene: MMACHC (metabolism of cobalamin associated C; plus strand). Cytogenetic location: 1p34.1.
Variant type: single nucleotide variant.
Coding change: c.433A>T on transcript NM_015506.3 (MANE Select); coding-DNA position 433, A replaced by T.
Protein change: p.Ile145Leu; replaces isoleucine 145 with leucine.
Molecular consequence: missense variant.
Genome position (GRCh38, 1-based): chr1:45,508,799, A>T. VCF-style: chr1-45508799-A-T. GRCh37 (hg19) VCF-style: chr1-45974471-A-T.
Other names: p.Ile145Leu; c.262A>T, p.Ile88Leu (NM_001330540.2); short protein forms I145L, I88L.
Identifiers: ClinVar variation 297486 (VCV000297486.25), dbSNP rs74365027, ClinGen allele CA827755.